The following is an entry in ClinVar:

NM_014920.5(CILK1):c.1802A>G (p.Gln601Arg)

Gene: CILK1 (ciliogenesis associated kinase 1; minus strand). Cytogenetic location: 6p12.1.
Variant type: single nucleotide variant.
Coding change: c.1802A>G on transcript NM_014920.5 (MANE Select); coding-DNA position 1802, A replaced by G.
Protein change: p.Gln601Arg; replaces glutamine 601 with arginine.
Molecular consequence: missense variant. On other transcripts: non-coding transcript variant (1).
Genome position (GRCh38, 1-based): chr6:53,005,246, T>C on the plus strand (A>G on the coding strand, the complement: CILK1 is on the minus strand). VCF-style: chr6-53005246-T-C. GRCh37 (hg19) VCF-style: chr6-52870044-T-C.
Other names: c.1823A>G, p.Gln608Arg (NM_001375397.1); c.1802A>G, p.Gln601Arg (NM_001375398.1, NM_001375399.1, NM_001375400.1 and 3 more transcripts); c.1802A>G (NM_016513.4); short protein forms Q601R, Q608R.
Identifiers: ClinVar variation 500282 (VCV000500282.8), dbSNP rs374437106, ClinGen allele CA3858455.
Genomic context (GRCh38, chr6:53,005,246, plus strand): 5'-CGGCCATGCACTGGCTGGGCGGCTGGAGGCCGTGGTATCAACCCAGGAGTGCTTCTAGGC[T>C]GGGTGTGGAAGAATGGTCGCCCAGGATGAGGTCTCATGGCCTTCAGGGAGGAATAACCTG-3'
Protein context (NP_055735.1, residues 591-611): PHPGRPFFHT[Gln601Arg]PRSTPGLIPR

ClinVar aggregate classification (germline): Uncertain significance. Review status: criteria provided, multiple submitters, no conflicts (2 of 4 stars). 3 submissions from 3 submitters: Uncertain significance (3). Last evaluated 2024-08-14.

Allele frequency attached by ClinVar (database versions not stated): gnomAD exomes 0.00006 and 0.00016; ExAC 0.00007; ESP Exome Variant Server 0.00008; TOPMed 0.00008; gnomAD 0.00010 and 0.00011.
gnomAD v4.1: 246 of 1,614,064 alleles (0.015%); highest among the groups gnomAD compares: Non-Finnish European, 0.02%; 1 homozygote.

Submissions (3):

Ambry Genetics
Classification: Uncertain significance. Last evaluated: 2024-08-14. Review status: criteria provided, single submitter. Criteria: Ambry Variant Classification Scheme 2023. Collection method: clinical testing. Allele origin: germline.

Labcorp Genetics (formerly Invitae), Labcorp
Classification: Uncertain significance. Last evaluated: 2023-09-21. Review status: criteria provided, single submitter. Criteria: Invitae Variant Classification Sherloc (09022015). Collection method: clinical testing. Allele origin: germline.
Comment: This sequence change replaces glutamine, which is neutral and polar, with arginine, which is basic and polar, at codon 601 of the ICK protein (p.Gln601Arg). This variant is present in population databases (rs374437106, gnomAD 0.01%). This variant has not been reported in the literature in individuals affected with ICK-related conditions. ClinVar contains an entry for this variant (Variation ID: 500282). An algorithm developed to predict the effect of missense changes on protein structure and function (PolyPhen-2) suggests that this variant¬†is likely to be tolerated. In summary, the available evidence is currently insufficient to determine the role of this variant in disease. Therefore, it has been classified as a Variant of Uncertain Significance.

Eurofins Ntd Llc (ga)
Classification: Uncertain significance. Last evaluated: 2017-02-22. Review status: criteria provided, single submitter. Criteria: EGL Classification Definitions 2015. Collection method: clinical testing. Allele origin: germline. Observed: 2 variant alleles, 2 heterozygotes.